The following is an entry in ClinVar:

NM_000379.4(XDH):c.3647C>A (p.Pro1216His)

Gene: XDH (xanthine dehydrogenase; minus strand). Cytogenetic location: 2p23.1.
Variant type: single nucleotide variant.
Coding change: c.3647C>A on transcript NM_000379.4 (MANE Select); coding-DNA position 3647, C replaced by A.
Protein change: p.Pro1216His; replaces proline 1216 with histidine.
Molecular consequence: missense variant.
Genome position (GRCh38, 1-based): chr2:31,339,616, G>T on the plus strand (C>A on the coding strand, the complement: XDH is on the minus strand). VCF-style: chr2-31339616-G-T. GRCh37 (hg19) VCF-style: chr2-31562482-G-T.
Other names: p.Pro1216His; short protein forms P1216H.
Identifiers: ClinVar variation 335760 (VCV000335760.37), dbSNP rs143981573, ClinGen allele CA1598307.

ClinVar aggregate classification (germline): Conflicting classifications of pathogenicity. Review status: criteria provided, conflicting classifications (1 of 4 stars). 6 submissions from 6 submitters: Uncertain significance (4); Likely benign (2). Last evaluated 2025-06-25.

Conditions:
XDH-related disorder. Also called: XDH-related condition.
Hereditary xanthinuria type 1 (XAN1). Identifiers: Orphanet 3467, Orphanet 93601, MedGen C0268118, MONDO:0010209, OMIM 278300.
Xanthinuria type II. Also called: Xanthine dehydrogenase and aldehyde oxidase combined deficiency of; XDH and AOX dual deficiency. Identifiers: Orphanet 3467, Orphanet 93602, MedGen C1863688, MONDO:0011346, OMIM 603592.

Allele frequency attached by ClinVar (database versions not stated): 1000 Genomes Project 30x 0.00031; 1000 Genomes Project 0.00040; gnomAD exomes 0.00070 and 0.00105; ExAC 0.00077; gnomAD 0.00077 and 0.00078; TOPMed 0.00083; ESP Exome Variant Server 0.00100.
gnomAD v4.1: 1,654 of 1,614,080 alleles (0.1%); highest among the groups gnomAD compares: Non-Finnish European, 0.12%; 3 homozygotes.

Submissions (6):

PreventionGenetics, part of Exact Sciences
Classification: Likely benign for XDH-related condition. Last evaluated: 2025-06-25. Review status: criteria provided, single submitter. Criteria: ACMG Guidelines, 2015. Collection method: clinical testing. Allele origin: germline.
Comment: This variant is classified as likely benign based on ACMG/AMP sequence variant interpretation guidelines (Richards et al. 2015 PMID: 25741868, with internal and published modifications).

CeGaT Center for Human Genetics Tuebingen
Classification: Likely benign. Last evaluated: 2024-02-01. Review status: criteria provided, single submitter. Criteria: CeGaT Center For Human Genetics Tuebingen Variant Classification Criteria Version 2. Collection method: clinical testing. Allele origin: germline. Affected: yes. Observed: 1 variant allele.
Comment: XDH: BS1

Mayo Clinic Laboratories, Mayo Clinic
Classification: Uncertain significance. Last evaluated: 2023-05-09. Review status: criteria provided, single submitter. Criteria: ACMG Guidelines, 2015. Collection method: clinical testing. Allele origin: germline. Observed: 1 variant allele.

Labcorp Genetics (formerly Invitae), Labcorp
Classification: Uncertain significance for Xanthinuria type II. Last evaluated: 2022-08-22. Review status: criteria provided, single submitter. Criteria: Invitae Variant Classification Sherloc (09022015). Collection method: clinical testing. Allele origin: germline.
Comment: This sequence change replaces proline, which is neutral and non-polar, with histidine, which is basic and polar, at codon 1216 of the XDH protein (p.Pro1216His). This variant is present in population databases (rs143981573, gnomAD 0.2%), and has an allele count higher than expected for a pathogenic variant. This missense change has been observed in individual(s) with suspected unknown immunological conditions (PMID: 30755392). ClinVar contains an entry for this variant (Variation ID: 335760). Algorithms developed to predict the effect of missense changes on protein structure and function are either unavailable or do not agree on the potential impact of this missense change (SIFT: "Deleterious"; PolyPhen-2: "Benign"; Align-GVGD: "Class C0"). In summary, the available evidence is currently insufficient to determine the role of this variant in disease. Therefore, it has been classified as a Variant of Uncertain Significance.

Center for Personalized Medicine, Children's Hospital Los Angeles
Classification: Uncertain significance. Last evaluated: 2018-11-19. Review status: criteria provided, single submitter. Criteria: ACMG Guidelines, 2015. Collection method: clinical testing. Allele origin: germline. Affected: yes.

Illumina Laboratory Services, Illumina
Classification: Uncertain significance for Hereditary xanthinuria type 1. Last evaluated: 2018-01-12. Review status: criteria provided, single submitter. Criteria: ICSL Variant Classification Criteria 13 December 2019. Collection method: clinical testing. Allele origin: germline.

Literature cited by the submitters: PubMed 30755392 (cited by Labcorp Genetics (formerly Invitae), Labcorp).